The following is an entry in ClinVar:

ClinVar aggregate classification (germline): Uncertain significance (1 of 4 stars; one submission).

Conditions:
Congenital contractural arachnodactyly (CCA). Also called: BEALS SYNDROME; Arthrogryposis, distal, type 9; Beals-Hecht syndrome. Identifiers: Orphanet 115, MedGen C0220668, MONDO:0007363, OMIM 121050.

Allele frequency attached by ClinVar (database versions not stated): TOPMed below 0.00001; gnomAD 0.00001.
gnomAD v4.1: 2 of 1,613,870 alleles (0.00012%); highest among the groups gnomAD compares: Non-Finnish European, 0.00017%; no homozygotes.

Submission:

Labcorp Genetics (formerly Invitae), Labcorp
Classification: Uncertain significance for Congenital contractural arachnodactyly. Last evaluated: 2025-02-13. Review status: criteria provided, single submitter. Criteria: Invitae Variant Classification Sherloc (09022015). Collection method: clinical testing. Allele origin: germline.
Comment: This sequence change replaces aspartic acid, which is acidic and polar, with asparagine, which is neutral and polar, at codon 1866 of the FBN2 protein (p.Asp1866Asn). This variant is not present in population databases (gnomAD no frequency). This variant has not been reported in the literature in individuals affected with FBN2-related conditions. ClinVar contains an entry for this variant (Variation ID: 2955529). Invitae Evidence Modeling of protein sequence and biophysical properties (such as structural, functional, and spatial information, amino acid conservation, physicochemical variation, residue mobility, and thermodynamic stability) indicates that this missense variant is not expected to disrupt FBN2 protein function with a negative predictive value of 80%. In summary, the available evidence is currently insufficient to determine the role of this variant in disease. Therefore, it has been classified as a Variant of Uncertain Significance.

NM_001999.4(FBN2):c.5596G>A (p.Asp1866Asn)

Gene: FBN2 (fibrillin 2; minus strand). Cytogenetic location: 5q23.3.
Variant type: single nucleotide variant.
Coding change: c.5596G>A on transcript NM_001999.4 (MANE Select); coding-DNA position 5596, G replaced by A.
Protein change: p.Asp1866Asn; replaces aspartic acid 1866 with asparagine.
Molecular consequence: missense variant.
Genome position (GRCh38, 1-based): chr5:128,305,589, C>T on the plus strand (G>A on the coding strand, the complement: FBN2 is on the minus strand). VCF-style: chr5-128305589-C-T. GRCh37 (hg19) VCF-style: chr5-127641281-C-T.
Other names: short protein forms D1866N.
Identifiers: ClinVar variation 2955529 (VCV002955529.3), dbSNP rs1749846500, ClinGen allele CA360740497.